The following is an entry in ClinVar:

NM_005592.4(MUSK):c.549A>G (p.Glu183=)

Gene: MUSK (muscle associated receptor tyrosine kinase; plus strand). Cytogenetic location: 9q31.3.
Variant type: single nucleotide variant.
Coding change: c.549A>G on transcript NM_005592.4 (MANE Select); coding-DNA position 549, A replaced by G.
Protein change: p.Glu183=; no amino-acid change (glutamic acid 183 retained).
Molecular consequence: synonymous variant.
Genome position (GRCh38, 1-based): chr9:110,697,387, A>G. VCF-style: chr9-110697387-A-G. GRCh37 (hg19) VCF-style: chr9-113459667-A-G.
Other names: c.549A>G, p.Glu183= (NM_001166280.2, NM_001166281.2).
Identifiers: ClinVar variation 702804 (VCV000702804.15), dbSNP rs369254308, ClinGen allele CA5184045.
Genomic context (GRCh38, chr9:110,697,387, plus strand): 5'-AAATTCCCGAATTGCAGTTCTTGAATCTGGGAGCTTGAGGATTCATAACGTACAAAAGGA[A>G]GATGCAGGACAGTATCGATGTGTGGCAAAAAACAGCCTCGGGACAGCATATTCCAAAGTG-3'
Protein context (NP_005583.1, residues 173-193): GSLRIHNVQK[Glu183=]DAGQYRCVAK

ClinVar aggregate classification (germline): Conflicting classifications of pathogenicity. Review status: criteria provided, conflicting classifications (1 of 4 stars). 4 submissions from 4 submitters: Uncertain significance (1); Likely benign (2). 1 of the submissions does not count toward it. Last evaluated 2026-01-27.

Conditions:
Congenital myasthenic syndrome 9. Also called: Myasthenic syndrome, congenital, 9, associated with acetylcholine receptor deficiency. Identifiers: Orphanet 590, MedGen C4225368, MONDO:0014587, OMIM 616325.
Fetal akinesia deformation sequence 1 (FADS1). Also called: Pena-Shokeir syndrome type I; Fetal akinesia sequence. Identifiers: Orphanet 994, MedGen C1276035, MONDO:0100101, OMIM 208150, HP:0001989.
MUSK-related disorder. Also called: MUSK-related condition; MUSK-related disorders.

Allele frequency attached by ClinVar (database versions not stated): ExAC 0.00007; gnomAD exomes 0.00010; gnomAD 0.00020 and 0.00022; ESP Exome Variant Server 0.00025; 1000 Genomes Project 30x 0.00031; 1000 Genomes Project 0.00040; TOPMed 0.00048.
gnomAD v4.1: 245 of 1,613,152 alleles (0.015%); highest among the groups gnomAD compares: Admixed American, 0.05%; no homozygotes.

Submissions (4):

Labcorp Genetics (formerly Invitae), Labcorp
Classification: Likely benign for Congenital myasthenic syndrome 9; Fetal akinesia deformation sequence 1. Last evaluated: 2026-01-27. Review status: criteria provided, single submitter. Criteria: Invitae Variant Classification Sherloc (09022015). Collection method: clinical testing. Allele origin: germline.

Women's Health and Genetics/Laboratory Corporation of America, LabCorp
Classification: Likely benign. Last evaluated: 2023-10-11. Review status: criteria provided, single submitter. Criteria: LabCorp Variant Classification Summary - May 2015. Collection method: clinical testing. Allele origin: germline.
Comment: Variant summary: MUSK c.549A>G alters a conserved nucleotide resulting in a synonymous change. Consensus agreement among computation tools predict no significant impact on normal splicing. However, these predictions have yet to be confirmed by functional studies. The variant allele was found at a frequency of 9.7e-05 in 248688 control chromosomes (gnomAD). To our knowledge, no occurrence of c.549A>G in individuals affected with MUSK-Related Disorders and no experimental evidence demonstrating its impact on protein function have been reported. Two submitters have cited clinical-significance assessments for this variant to ClinVar after 2014. One submitter classified the variant as likely benign, and one submitter classified the variant as uncertain significance. Based on the evidence outlined above, the variant was classified as likely benign.

Illumina Laboratory Services, Illumina
Classification: Uncertain significance for Congenital myasthenic syndrome 9. Last evaluated: 2018-01-13. Review status: criteria provided, single submitter. Criteria: ICSL Variant Classification Criteria 13 December 2019. Collection method: clinical testing. Allele origin: germline.

PreventionGenetics, part of Exact Sciences
Classification: Likely benign for MUSK-related condition. Last evaluated: 2019-05-13. Review status: no assertion criteria provided. Collection method: clinical testing. Allele origin: germline. Not counted in ClinVar's aggregate classification.
Comment: This variant is classified as likely benign based on ACMG/AMP sequence variant interpretation guidelines (Richards et al. 2015 PMID: 25741868, with internal and published modifications).